The following is an entry in ClinVar:

NM_003995.4(NPR2):c.1367T>C (p.Leu456Pro)

Gene: NPR2 (natriuretic peptide receptor 2; plus strand). Cytogenetic location: 9p13.3.
Variant type: single nucleotide variant.
Coding change: c.1367T>C on transcript NM_003995.4 (MANE Select); coding-DNA position 1367, T replaced by C.
Protein change: p.Leu456Pro; replaces leucine 456 with proline.
Molecular consequence: missense variant.
Genome position (GRCh38, 1-based): chr9:35,801,085, T>C. VCF-style: chr9-35801085-T-C. GRCh37 (hg19) VCF-style: chr9-35801082-T-C.
Other names: c.1367T>C, p.Leu456Pro (NM_001378923.1); c.1367T>C (NM_003995.3); short protein forms L456P.
Identifiers: ClinVar variation 2929702 (VCV002929702.4), dbSNP rs746462699, ClinGen allele CA5051673.
Genomic context (GRCh38, chr9:35,801,085, plus strand): 5'-CAAGTCCGCACACAGTCTTCCTCAGGGTCTCTATTTCCCCTTCAGCTCCACTTTCAACCC[T>C]GGCAATTGTGGCTCTGGGCACAGGAATCACCTTCATCATGTTTGGTGTTTCCAGCTTCCT-3'
Protein context (NP_003986.2, residues 446-466): PSCDKTPLST[Leu456Pro]AIVALGTGIT

ClinVar aggregate classification (germline): Uncertain significance. Review status: criteria provided, multiple submitters, no conflicts (2 of 4 stars). 2 submissions from 2 submitters: Uncertain significance (2). Last evaluated 2024-09-26.

Conditions:
Inborn genetic diseases. Identifiers: MedGen C0950123, MeSH D030342.
Acromesomelic dysplasia 1, Maroteaux type (AMD1). Also called: ACROMESOMELIC DYSPLASIA 1; ST. HELENA DYSPLASIA. Identifiers: Orphanet 40, MedGen C1864356, MONDO:0011275, OMIM 602875.
Tall stature-scoliosis-macrodactyly of the great toes syndrome. Also called: Epiphyseal chondrodysplasia, miura type. Identifiers: Orphanet 329191, MedGen C4014690, MONDO:0014401, OMIM 615923.

Allele frequency attached by ClinVar (database versions not stated): gnomAD exomes below 0.00001; ExAC 0.00001; TOPMed 0.00001.
gnomAD v4.1: 5 of 1,614,046 alleles (0.00031%); highest among the groups gnomAD compares: Admixed American, 0.0067%; no homozygotes.

Submissions (2):

Ambry Genetics
Classification: Uncertain significance for Inborn genetic diseases. Last evaluated: 2024-09-26. Review status: criteria provided, single submitter. Criteria: Ambry Variant Classification Scheme 2023. Collection method: clinical testing. Allele origin: germline.

Labcorp Genetics (formerly Invitae), Labcorp
Classification: Uncertain significance for Tall stature-scoliosis-macrodactyly of the great toes syndrome; Acromesomelic dysplasia 1, Maroteaux type. Last evaluated: 2023-05-06. Review status: criteria provided, single submitter. Criteria: Invitae Variant Classification Sherloc (09022015). Collection method: clinical testing. Allele origin: germline.
Comment: In summary, the available evidence is currently insufficient to determine the role of this variant in disease. Therefore, it has been classified as a Variant of Uncertain Significance. Advanced modeling of protein sequence and biophysical properties (such as structural, functional, and spatial information, amino acid conservation, physicochemical variation, residue mobility, and thermodynamic stability) performed at Invitae indicates that this missense variant is not expected to disrupt NPR2 protein function. This variant has not been reported in the literature in individuals affected with NPR2-related conditions. This variant is present in population databases (rs746462699, gnomAD 0.009%). This sequence change replaces leucine, which is neutral and non-polar, with proline, which is neutral and non-polar, at codon 456 of the NPR2 protein (p.Leu456Pro).